The following is an entry in ClinVar:

ClinVar aggregate classification (germline): Uncertain significance (1 of 4 stars; one submission).

Conditions:
Atelosteogenesis type I. Also called: SPONDYLOHUMEROFEMORAL HYPOPLASIA; GIANT CELL CHONDRODYSPLASIA; Atelosteogenesis Type 1 (FLNB-AO1). Identifiers: Orphanet 1190, MedGen C0265283, MONDO:0007167, OMIM 108720.

gnomAD v4.1: 2 of 1,614,250 alleles (0.00012%); highest among the groups gnomAD compares: South Asian, 0.0022%; no homozygotes.

Submission:

OLLIN Analises Genomicas, OLLIN
Classification: Uncertain significance for Atelosteogenesis type I. Last evaluated: 2026-08-06. Review status: criteria provided, single submitter. Criteria: ACMG Guidelines 2015 PMID 25741868. Collection method: clinical testing. Allele origin: germline. Inheritance: Autosomal dominant inheritance.
Comment: This missense variant, located in exon 28 (of 46), has been observed in gnomAD with an allele frequency of 0.00012%, but has not been reported in ClinVar or identified in the literature. In silico analysis predicts that this variant has a deleterious effect. According to the currently available evidence, this variant has been classified as uncertain significance (PM2_P, PP3_S).

NM_001457.4(FLNB):c.4763A>G (p.Tyr1588Cys)

Gene: FLNB (filamin B; plus strand). Cytogenetic location: 3p14.3.
Variant type: single nucleotide variant.
Coding change: c.4763A>G on transcript NM_001457.4 (MANE Select); coding-DNA position 4763, A replaced by G.
Protein change: p.Tyr1588Cys; replaces tyrosine 1588 with cysteine.
Molecular consequence: missense variant.
Genome position (GRCh38, 1-based): chr3:58,136,070, A>G. VCF-style: chr3-58136070-A-G. GRCh37 (hg19) VCF-style: chr3-58121797-A-G.
Other names: c.4856A>G, p.Tyr1619Cys (NM_001164317.2); c.4763A>G, p.Tyr1588Cys (NM_001164318.2, NM_001164319.2); short protein forms Y1619C, Y1588C.
Identifiers: ClinVar variation 5002880 (VCV005002880.1).